The following is an entry in ClinVar:

ClinVar aggregate classification (germline): Uncertain significance. Review status: criteria provided, multiple submitters, no conflicts (2 of 4 stars). 2 submissions from 2 submitters: Uncertain significance (2). Last evaluated 2022-05-10.

Conditions:
Hyperinsulinism-hyperammonemia syndrome (HHF6). Identifiers: Orphanet 35878, MedGen C1847555, MONDO:0011717, OMIM 606762.

Submissions (2):

Labcorp Genetics (formerly Invitae), Labcorp
Classification: Uncertain significance for Hyperinsulinism-hyperammonemia syndrome. Last evaluated: 2022-05-10. Review status: criteria provided, single submitter. Criteria: Invitae Variant Classification Sherloc (09022015). Collection method: clinical testing. Allele origin: germline.
Comment: This sequence change replaces alanine, which is neutral and non-polar, with valine, which is neutral and non-polar, at codon 18 of the GLUD1 protein (p.Ala18Val). This variant is not present in population databases (gnomAD no frequency). This variant has not been reported in the literature in individuals affected with GLUD1-related conditions. Algorithms developed to predict the effect of missense changes on protein structure and function output the following: SIFT: "Not Available"; PolyPhen-2: "Not Available"; Align-GVGD: "Not Available". The valine amino acid residue is found in multiple mammalian species, which suggests that this missense change does not adversely affect protein function. In summary, the available evidence is currently insufficient to determine the role of this variant in disease. Therefore, it has been classified as a Variant of Uncertain Significance.

Revvity Omics, Revvity
Classification: Uncertain significance for Hyperinsulinism-hyperammonemia syndrome. Last evaluated: 2019-11-25. Review status: criteria provided, single submitter. Criteria: ACMG Guidelines, 2015. Collection method: clinical testing. Allele origin: germline.

NM_005271.5(GLUD1):c.53C>T (p.Ala18Val)

Genes: SHLD2 (shieldin complex subunit 2; plus strand), GLUD1 (glutamate dehydrogenase 1; minus strand), LOC130004255 (ATAC-STARR-seq lymphoblastoid silent region 2577; plus strand). Cytogenetic location: 10q23.2.
Variant type: single nucleotide variant.
Coding change: c.53C>T on transcript NM_005271.5 (MANE Select); coding-DNA position 53, C replaced by T.
Protein change: p.Ala18Val; replaces alanine 18 with valine.
Molecular consequence: missense variant. On other transcripts: 5 prime UTR variant (3).
Genome position (GRCh38, 1-based): chr10:87,094,717, G>A on the plus strand (C>T on the coding strand, the complement: GLUD1 is on the minus strand). VCF-style: chr10-87094717-G-A. GRCh37 (hg19) VCF-style: chr10-88854474-G-A.
Other names: c.-676C>T (NM_001318904.2); c.-802C>T (NM_001318905.2); c.-509C>T (NM_001318906.2); c.53C>T (NM_005271.3); short protein forms A18V.
Identifiers: ClinVar variation 2164734 (VCV002164734.7), dbSNP rs926360966, ClinGen allele CA211192853.